The following is an entry in ClinVar:

ClinVar aggregate classification (germline): Uncertain significance (1 of 4 stars; one submission).

Conditions:
Seizures, benign familial infantile, 5 (BFIS5). Also called: CONVULSIONS, BENIGN FAMILIAL INFANTILE, 5. Identifiers: Orphanet 306, MedGen C4310728, MONDO:0014903, OMIM 617080.
Cognitive impairment with or without cerebellar ataxia (CIAT). Identifiers: MedGen C3280415, MONDO:0013680, OMIM 614306.
Developmental and epileptic encephalopathy, 13 (DEE13). Also called: Early infantile epileptic encephalopathy 13; Developmental and Epileptic Encephalopathy (SCN8A-DEE); SCN8A-Related Epilepsy. Identifiers: Orphanet 442835, MedGen C3281191, MONDO:0013801, OMIM 614558.
Myoclonus, familial, 2. Identifiers: MedGen C5193056, MONDO:0100092, OMIM 618364.

Submission:

New York Genome Center
Classification: Uncertain significance for Cognitive impairment with or without cerebellar ataxia; Developmental and epileptic encephalopathy, 13; Myoclonus, familial, 2; Seizures, benign familial infantile, 5. Last evaluated: 2021-07-10. Review status: criteria provided, single submitter. Criteria: NYGC Assertion Criteria 2020. Collection method: clinical testing. Allele origin: germline. Observed: 1 heterozygote. Study: CSER-NYCKidSeq.
Comment: The c.1264C>A (p.Leu422Met) variant in exon 10 of 27 of SCN8A has not been reported in affected individuals in the available literature. This variant absent in gnomAD v3 indicating it is not a common benign variant in the populations represented in this database. In silico predictors suggest this variant is Benign (REVELscore: 0.222) and tolerated (SIFT score: 0.204). Given the current evidence regarding its pathogenicity, the c.1264C>A (p.Leu422Met) variant identified in the SCN8A gene is classified as a Variant of uncertain significance.

NM_001330260.2(SCN8A):c.1264C>A (p.Leu422Met)

Gene: SCN8A (sodium voltage-gated channel alpha subunit 8; plus strand). Cytogenetic location: 12q13.13.
Variant type: single nucleotide variant.
Coding change: c.1264C>A on transcript NM_001330260.2 (MANE Select); coding-DNA position 1264, C replaced by A.
Protein change: p.Leu422Met; replaces leucine 422 with methionine.
Molecular consequence: missense variant.
Genome position (GRCh38, 1-based): chr12:51,705,546, C>A. VCF-style: chr12-51705546-C-A. GRCh37 (hg19) VCF-style: chr12-52099330-C-A.
Other names: c.1264C>A, p.Leu422Met (NM_001177984.3, NM_001369788.1, NM_014191.4); short protein forms L422M.
Identifiers: ClinVar variation 1679749 (VCV001679749.2), dbSNP rs2138748384, ClinGen allele CA385228186.